The following is an entry in ClinVar:

NM_000257.4(MYH7):c.2519T>C (p.Leu840Pro)

Genes: MYH7 (myosin heavy chain 7; minus strand), LOC126861898 (BRD4-independent group 4 enhancer GRCh37_chr14:23893609-23894808; plus strand). Cytogenetic location: 14q11.2.
Variant type: single nucleotide variant.
Coding change: c.2519T>C on transcript NM_000257.4 (MANE Select); coding-DNA position 2519, T replaced by C.
Protein change: p.Leu840Pro; replaces leucine 840 with proline.
Molecular consequence: missense variant.
Genome position (GRCh38, 1-based): chr14:23,424,929, A>G on the plus strand (T>C on the coding strand, the complement: MYH7 is on the minus strand). VCF-style: chr14-23424929-A-G. GRCh37 (hg19) VCF-style: chr14-23894138-A-G.
Other names: c.2519T>C (LRG_384t1); short protein forms L840P.
Identifiers: ClinVar variation 429762 (VCV000429762.1), dbSNP rs1131691577, ClinGen allele CA389048244.

ClinVar aggregate classification (germline): Likely pathogenic (1 of 4 stars; one submission).

Submission:

GeneDx
Classification: Likely pathogenic. Last evaluated: 2015-10-07. Review status: criteria provided, single submitter. Criteria: GeneDx Variant Classification (06012015). Collection method: clinical testing. Allele origin: germline. Affected: yes.
Comment: The L840P variant has not been published as a pathogenic variant, nor has it been reported as a benign polymorphism to our knowledge. It was not observed in approximately 6,500 individuals of European and African American ancestry in the NHLBI Exome Sequencing Project, indicating it is not a common benign variant in these populations. The L840P variant is a semi-conservative amino acid substitution, which may impact secondary protein structure as these residues differ in some properties, and this substitution occurs at a position that is conserved across species. Consequently, in silico analysis predicts this variant is probably damaging to the protein structure/function. Moreover, multiple missense variants in nearby residues (K835T, P838L, E844K, R845G, E846Q, E846K, K847E, M849T, A850T, A850D) have been reported in the Human Gene Mutation Database in association with HCM (Stenson et al., 2014), supporting the functional importance of this region of the protein. Therefore, this variant is likely pathogenic; however, the possibility that it is benign cannot be excluded